The following is an entry in ClinVar:

NM_000384.3(APOB):c.852G>C (p.Gln284His)

Gene: APOB (apolipoprotein B; minus strand). Cytogenetic location: 2p24.1.
Variant type: single nucleotide variant.
Coding change: c.852G>C on transcript NM_000384.3 (MANE Select); coding-DNA position 852, G replaced by C.
Protein change: p.Gln284His; replaces glutamine 284 with histidine.
Molecular consequence: missense variant.
Genome position (GRCh38, 1-based): chr2:21,034,868, C>G on the plus strand (G>C on the coding strand, the complement: APOB is on the minus strand). VCF-style: chr2-21034868-C-G. GRCh37 (hg19) VCF-style: chr2-21257740-C-G.
Other names: short protein forms Q284H.
Identifiers: ClinVar variation 5017516 (VCV005017516.1).

ClinVar aggregate classification (germline): Uncertain significance (1 of 4 stars; one submission).

Submission:

GeneDx
Classification: Uncertain significance. Last evaluated: 2026-03-28. Review status: criteria provided, single submitter. Criteria: GeneDx Variant Classification Process June 2021. Collection method: clinical testing. Allele origin: germline.
Comment: Not observed at significant frequency in large population cohorts (gnomAD); In silico analysis supports that this missense variant has a deleterious effect on protein structure/function; Has not been previously published as pathogenic or benign to our knowledge